The following is an entry in ClinVar:

ClinVar aggregate classification (germline): Uncertain significance. Review status: criteria provided, multiple submitters, no conflicts (2 of 4 stars). 2 submissions from 2 submitters: Uncertain significance (2). Last evaluated 2023-10-20.

Conditions:
Inborn genetic diseases. Identifiers: MedGen C0950123, MeSH D030342.
Ullrich congenital muscular dystrophy 2 (UCMD2). Identifiers: Orphanet 75840, MedGen C4225314, MONDO:0014654, OMIM 616470.
Bethlem myopathy 2 (BTHLM2). Identifiers: Orphanet 536516, Orphanet 610, MedGen C4225313, MONDO:0034022, OMIM 616471.

Submissions (3):

Ambry Genetics
Classification: Uncertain significance for Inborn genetic diseases. Last evaluated: 2023-10-20. Review status: criteria provided, single submitter. Criteria: Ambry Variant Classification Scheme 2023. Collection method: clinical testing. Allele origin: germline.

Labcorp Genetics (formerly Invitae), Labcorp
Classification: Uncertain significance for Bethlem myopathy 2; Ullrich congenital muscular dystrophy 2. Last evaluated: 2022-06-25. Review status: criteria provided, single submitter. Criteria: Invitae Variant Classification Sherloc (09022015). Collection method: clinical testing. Allele origin: germline.
Comment: In summary, the available evidence is currently insufficient to determine the role of this variant in disease. Therefore, it has been classified as a Variant of Uncertain Significance. Algorithms developed to predict the effect of missense changes on protein structure and function (SIFT, PolyPhen-2, Align-GVGD) all suggest that this variant is likely to be disruptive. This variant has not been reported in the literature in individuals affected with COL12A1-related conditions. This variant is not present in population databases (gnomAD no frequency). This sequence change replaces glycine, which is neutral and non-polar, with tryptophan, which is neutral and slightly polar, at codon 2545 of the COL12A1 protein (p.Gly2545Trp).

Dr. Peter K. Rogan Lab, Western University
No classification provided (evidence only). Condition: Thyroid cancer, nonmedullary, 1. Review status: no classification provided. Collection method: in vitro. Allele origin: not applicable. Functional consequence: retained intron. Not counted in ClinVar's aggregate classification.

NM_004370.6(COL12A1):c.7633G>T (p.Gly2545Trp)

Gene: COL12A1 (collagen type XII alpha 1 chain; minus strand). Cytogenetic location: 6q13.
Variant type: single nucleotide variant.
Coding change: c.7633G>T on transcript NM_004370.6 (MANE Select); coding-DNA position 7633, G replaced by T.
Protein change: p.Gly2545Trp; replaces glycine 2545 with tryptophan.
Molecular consequence: missense variant.
Genome position (GRCh38, 1-based): chr6:75,115,848, C>A on the plus strand (G>T on the coding strand, the complement: COL12A1 is on the minus strand). VCF-style: chr6-75115848-C-A. GRCh37 (hg19) VCF-style: chr6-75825564-C-A.
Other names: c.7633G>T (NM_004370.5); c.4141G>T, p.Gly1381Trp (NM_080645.3); short protein forms G1381W, G2545W.
Identifiers: ClinVar variation 2010557 (VCV002010557.6), dbSNP rs2533181046, ClinGen allele CA364745160.